The following is an entry in ClinVar:

ClinVar aggregate classification (germline): Likely benign. Review status: criteria provided, single submitter (1 of 4 stars). 2 submissions from 2 submitters: Likely benign (1). 1 of the submissions does not count toward it. Last evaluated 2022-09-01.

Conditions:
NPHP1-related disorder. Also called: NPHP1-related condition; NPHP1-related disorders.
Nephronophthisis. Also called: Juvenile Nephronophthisis. Identifiers: Orphanet 655, MedGen C0687120, MONDO:0019005, HP:0000090.

gnomAD v4.1: 1 of 1,613,870 alleles (0.000062%); highest among the groups gnomAD compares: Non-Finnish European, 0.000085%; no homozygotes.

Submissions (2):

Labcorp Genetics (formerly Invitae), Labcorp
Classification: Likely benign for Nephronophthisis. Last evaluated: 2022-09-01. Review status: criteria provided, single submitter. Criteria: Invitae Variant Classification Sherloc (09022015). Collection method: clinical testing. Allele origin: germline.

PreventionGenetics, part of Exact Sciences
Classification: Likely benign for NPHP1-related condition. Last evaluated: 2022-11-04. Review status: no assertion criteria provided. Collection method: clinical testing. Allele origin: germline. Not counted in ClinVar's aggregate classification.
Comment: This variant is classified as likely benign based on ACMG/AMP sequence variant interpretation guidelines (Richards et al. 2015 PMID: 25741868, with internal and published modifications).

NM_001128178.3(NPHP1):c.288G>A (p.Leu96=)

Gene: NPHP1 (nephrocystin 1; minus strand). Cytogenetic location: 2q13.
Variant type: single nucleotide variant.
Coding change: c.288G>A on transcript NM_001128178.3 (MANE Select); coding-DNA position 288, G replaced by A.
Protein change: p.Leu96=; no amino-acid change (leucine 96 retained).
Molecular consequence: synonymous variant. On other transcripts: intron variant (1).
Genome position (GRCh38, 1-based): chr2:110,178,464, C>T on the plus strand (G>A on the coding strand, the complement: NPHP1 is on the minus strand). VCF-style: chr2-110178464-C-T. GRCh37 (hg19) VCF-style: chr2-110936041-C-T.
Other names: c.288G>A, p.Leu96= (NM_000272.5, NM_001374256.1, NM_001374257.1 and 1 more transcripts); c.144-8466G>A (NM_001128179.3); c.288G>A (NM_000272.3).
Identifiers: ClinVar variation 1627031 (VCV001627031.10), dbSNP rs758059337, ClinGen allele CA427919531.